The following is an entry in ClinVar:

NM_004525.3(LRP2):c.7121C>A (p.Thr2374Asn)

Gene: LRP2 (LDL receptor related protein 2; minus strand). Cytogenetic location: 2q31.1.
Variant type: single nucleotide variant.
Coding change: c.7121C>A on transcript NM_004525.3 (MANE Select); coding-DNA position 7121, C replaced by A.
Protein change: p.Thr2374Asn; replaces threonine 2374 with asparagine.
Molecular consequence: missense variant.
Genome position (GRCh38, 1-based): chr2:169,206,599, G>T on the plus strand (C>A on the coding strand, the complement: LRP2 is on the minus strand). VCF-style: chr2-169206599-G-T. GRCh37 (hg19) VCF-style: chr2-170063109-G-T.
Other names: c.7121C>A (NM_004525.2); short protein forms T2374N.
Identifiers: ClinVar variation 1351490 (VCV001351490.5), dbSNP rs188204688, ClinGen allele CA1954162.

ClinVar aggregate classification (germline): Uncertain significance. Review status: criteria provided, multiple submitters, no conflicts (2 of 4 stars). 2 submissions from 2 submitters: Uncertain significance (2). Last evaluated 2022-07-06.

Allele frequency attached by ClinVar (database versions not stated): gnomAD exomes below 0.00001; 1000 Genomes Project 0.00020; TOPMed 0.00003; 1000 Genomes Project 30x 0.00016; ExAC 0.00001; gnomAD 0.00001.
gnomAD v4.1: 7 of 1,614,112 alleles (0.00043%); highest among the groups gnomAD compares: Admixed American, 0.0033%; no homozygotes.

Submissions (2):

GeneDx
Classification: Uncertain significance. Last evaluated: 2022-07-06. Review status: criteria provided, single submitter. Criteria: GeneDx Variant Classification Process June 2021. Collection method: clinical testing. Allele origin: germline. Affected: yes.
Comment: Not observed at significant frequency in large population cohorts (gnomAD); In silico analysis supports that this missense variant does not alter protein structure/function; Has not been previously published as pathogenic or benign to our knowledge

Labcorp Genetics (formerly Invitae), Labcorp
Classification: Uncertain significance. Last evaluated: 2021-08-27. Review status: criteria provided, single submitter. Criteria: Invitae Variant Classification Sherloc (09022015). Collection method: clinical testing. Allele origin: germline.
Comment: This sequence change replaces threonine with asparagine at codon 2374 of the LRP2 protein (p.Thr2374Asn). The threonine residue is moderately conserved and there is a small physicochemical difference between threonine and asparagine. This variant is present in population databases (rs188204688, ExAC 0.009%). This variant has not been reported in the literature in individuals affected with LRP2-related conditions. Advanced modeling of protein sequence and biophysical properties (such as structural, functional, and spatial information, amino acid conservation, physicochemical variation, residue mobility, and thermodynamic stability) performed at Invitae indicates that this missense variant is not expected to disrupt LRP2 protein function. In summary, the available evidence is currently insufficient to determine the role of this variant in disease. Therefore, it has been classified as a Variant of Uncertain Significance.